The following is an entry in ClinVar:

NM_003002.4(SDHD):c.337G>C (p.Asp113His)

Gene: SDHD (succinate dehydrogenase complex subunit D; plus strand). Cytogenetic location: 11q23.1.
Variant type: single nucleotide variant.
Coding change: c.337G>C on transcript NM_003002.4 (MANE Select); coding-DNA position 337, G replaced by C.
Protein change: p.Asp113His; replaces aspartic acid 113 with histidine.
Molecular consequence: missense variant. On other transcripts: synonymous variant (1), 3 prime UTR variant (1), non-coding transcript variant (1).
Genome position (GRCh38, 1-based): chr11:112,094,827, G>C. VCF-style: chr11-112094827-G-C. GRCh37 (hg19) VCF-style: chr11-111965551-G-C.
Other names: c.192G>C, p.Leu64= (NM_001276503.2); c.220G>C, p.Asp74His (NM_001276504.2); c.*35G>C (NM_001276506.2); short protein forms D113H, D74H.
Identifiers: ClinVar variation 1717756 (VCV001717756.6), dbSNP rs2498917243, ClinGen allele CA382618834.

ClinVar aggregate classification (germline): Uncertain significance (1 of 4 stars; one submission).

Conditions:
Paragangliomas with sensorineural hearing loss. Identifiers: MedGen C1868633.
Carney-Stratakis syndrome. Also called: PARAGANGLIOMA AND GASTROINTESTINAL STROMAL TUMOR. Identifiers: Orphanet 97286, MedGen C1847319, MONDO:0011740, OMIM 606864.
Pheochromocytoma. Also called: MAX-Related Hereditary Paraganglioma-Pheochromocytoma Syndrome. Identifiers: Orphanet 29072, MedGen C0031511, MONDO:0008233, OMIM 171300, HP:0002666.
Cowden syndrome 3 (CWS3). Identifiers: Orphanet 201, MedGen CN166604, MONDO:0014045.

Submission:

Labcorp Genetics (formerly Invitae), Labcorp
Classification: Uncertain significance for Carney-Stratakis syndrome; Paragangliomas with sensorineural hearing loss; Pheochromocytoma; Cowden syndrome 3. Last evaluated: 2023-06-24. Review status: criteria provided, single submitter. Criteria: Invitae Variant Classification Sherloc (09022015). Collection method: clinical testing. Allele origin: germline.
Comment: Advanced modeling of protein sequence and biophysical properties (such as structural, functional, and spatial information, amino acid conservation, physicochemical variation, residue mobility, and thermodynamic stability) has been performed at Invitae for this missense variant, however the output from this modeling did not meet the statistical confidence thresholds required to predict the impact of this variant on SDHD protein function. In summary, the available evidence is currently insufficient to determine the role of this variant in disease. Therefore, it has been classified as a Variant of Uncertain Significance. This variant disrupts the p.Asp113 amino acid residue in SDHD. Other variant(s) that disrupt this residue have been observed in individuals with SDHD-related conditions (PMID: 34906457; Invitae), which suggests that this may be a clinically significant amino acid residue. ClinVar contains an entry for this variant (Variation ID: 1717756). This missense change has been observed in individual(s) with clinical features of autosomal dominant hereditary paraganglioma-pheochromocytoma (PGL-PCC) syndrome (Invitae). This variant is not present in population databases (gnomAD no frequency). This sequence change replaces aspartic acid, which is acidic and polar, with histidine, which is basic and polar, at codon 113 of the SDHD protein (p.Asp113His).

Literature cited by the submitters: PubMed 34906457.